The following is an entry in ClinVar:

ClinVar aggregate classification (germline): Benign/Likely benign. Review status: criteria provided, multiple submitters, no conflicts (2 of 4 stars). 5 submissions from 5 submitters: Benign (1); Likely benign (4). Last evaluated 2026-01-24.

Conditions:
RPS7-related disorder. Also called: RPS7-related condition.
Diamond-Blackfan anemia. Also called: Blackfan Diamond syndrome; Aregenerative anemia chronic congenital; Red cell aplasia, pure hereditary; Congenital hypoplastic anemia; Aase syndrome. Identifiers: Orphanet 124, MedGen C1260899, MeSH D029503, MONDO:0015253, HP:0004810.
Diamond-Blackfan anemia 8 (DBA8). Also called: RPS7-Related Diamond-Blackfan Anemia. Identifiers: Orphanet 124, MedGen C2675511, MONDO:0012939, OMIM 612563.

Allele frequency attached by ClinVar (database versions not stated): gnomAD 0.00004 and 0.00009; TOPMed 0.00004; ExAC 0.00007; gnomAD exomes 0.00008 and 0.00018; 1000 Genomes Project 30x 0.00031; 1000 Genomes Project 0.00040.
gnomAD v4.1: 267 of 1,613,272 alleles (0.017%); highest among the groups gnomAD compares: East Asian, 0.49%; 2 homozygotes.

Submissions (5):

Labcorp Genetics (formerly Invitae), Labcorp
Classification: Likely benign for Diamond-Blackfan anemia 8. Last evaluated: 2026-01-24. Review status: criteria provided, single submitter. Criteria: Invitae Variant Classification Sherloc (09022015). Collection method: clinical testing. Allele origin: germline.

PreventionGenetics, part of Exact Sciences
Classification: Likely benign for RPS7-related condition. Last evaluated: 2025-03-13. Review status: criteria provided, single submitter. Criteria: ACMG Guidelines, 2015. Collection method: clinical testing. Allele origin: germline.
Comment: This variant is classified as likely benign based on ACMG/AMP sequence variant interpretation guidelines (Richards et al. 2015 PMID: 25741868, with internal and published modifications).

Ambry Genetics
Classification: Likely benign for Diamond-Blackfan anemia. Last evaluated: 2025-03-01. Review status: criteria provided, single submitter. Criteria: Ambry Variant Classification Scheme 2023. Collection method: clinical testing. Allele origin: germline.

Blueprint Genetics
Classification: Likely benign. Last evaluated: 2020-01-03. Review status: criteria provided, single submitter. Criteria: ACMG Guidelines, 2015. Collection method: clinical testing. Allele origin: germline.

Illumina Laboratory Services, Illumina
Classification: Benign for Diamond-Blackfan anemia 8. Last evaluated: 2018-01-13. Review status: criteria provided, single submitter. Criteria: ICSL Variant Classification Criteria 13 December 2019. Collection method: clinical testing. Allele origin: germline.
Comment: This variant was observed in the ICSL laboratory as part of a predisposition screen in an ostensibly healthy population. It had not been previously curated by ICSL or reported in the Human Gene Mutation Database (HGMD: prior to June 1st, 2018), and was therefore a candidate for classification through an automated scoring system. Utilizing variant allele frequency, disease prevalence and penetrance estimates, and inheritance mode, an automated score was calculated to assess if this variant is too frequent to cause the disease. Based on the score and internal cut-off values, a variant classified as benign is not then subjected to further curation. The score for this variant resulted in a classification of benign for this disease.

NM_001011.4(RPS7):c.435C>T (p.Arg145=)

Gene: RPS7 (ribosomal protein S7; plus strand). Cytogenetic location: 2p25.3.
Variant type: single nucleotide variant.
Coding change: c.435C>T on transcript NM_001011.4 (MANE Select); coding-DNA position 435, C replaced by T.
Protein change: p.Arg145=; no amino-acid change (arginine 145 retained).
Molecular consequence: synonymous variant.
Genome position (GRCh38, 1-based): chr2:3,580,188, C>T. VCF-style: chr2-3580188-C-T. GRCh37 (hg19) VCF-style: chr2-3627778-C-T.
Other names: c.435C>T, p.Arg145= (LRG_1148t1).
Identifiers: ClinVar variation 537187 (VCV000537187.18), dbSNP rs142207795, ClinGen allele CA1516692.